The following is an entry in ClinVar:

NM_018122.5(DARS2):c.128-4A>T

Gene: DARS2 (aspartyl-tRNA synthetase 2, mitochondrial; plus strand). Cytogenetic location: 1q25.1.
Variant type: single nucleotide variant.
Coding change: c.128-4A>T on transcript NM_018122.5 (MANE Select); 4 bases into the intron before coding-DNA position 128, A replaced by T.
Molecular consequence: intron variant.
Genome position (GRCh38, 1-based): chr1:173,826,683, A>T. VCF-style: chr1-173826683-A-T. GRCh37 (hg19) VCF-style: chr1-173795821-A-T.
Other names: p.?; c.128-4A>T (NM_001365212.1, NM_001365213.2).
Identifiers: ClinVar variation 377765 (VCV000377765.42), dbSNP rs769597479, ClinGen allele CA1250010.

ClinVar aggregate classification (germline): Conflicting classifications of pathogenicity. Review status: criteria provided, conflicting classifications (1 of 4 stars). 7 submissions from 7 submitters: Uncertain significance (1); Benign (2); Likely benign (4). Last evaluated 2026-01-11.

Conditions:
Leukoencephalopathy with brain stem and spinal cord involvement-high lactate syndrome (LBSL). Also called: Leukoencephalopathy with Brainstem and Spinal Cord Involvement and Lactate Elevation; LEUKOENCEPHALOPATHY WITH BRAINSTEM AND SPINAL CORD INVOLVEMENT AND LACTATE ELEVATION, MILD; MITOCHONDRIAL ASPARTYL-tRNA SYNTHETASE DEFICIENCY. Identifiers: Orphanet 137898, MedGen C1970180, MONDO:0012622, OMIM 611105.

Allele frequency attached by ClinVar (database versions not stated): 1000 Genomes Project 30x 0.00265; gnomAD 0.00300.
gnomAD v4.1: 1,703 of 1,314,414 alleles (0.13%); highest among the groups gnomAD compares: African/African-American, 0.95%; 5 homozygotes.

Submissions (13):

Labcorp Genetics (formerly Invitae), Labcorp
Classification: Benign. Last evaluated: 2026-01-11. Review status: criteria provided, single submitter. Criteria: Invitae Variant Classification Sherloc (09022015). Collection method: clinical testing. Allele origin: germline.

Blueprint Genetics
Classification: Likely benign. Last evaluated: 2024-11-25. Review status: criteria provided, single submitter. Criteria: ACMG Guidelines, 2015. Collection method: clinical testing. Allele origin: germline.

Mayo Clinic Laboratories, Mayo Clinic
Classification: Benign. Last evaluated: 2024-02-15. Review status: criteria provided, single submitter. Criteria: ACMG Guidelines, 2015. Collection method: clinical testing. Allele origin: germline. Observed: 4 variant alleles.
Comment: BS1, BS2, BP4, BP7

CeGaT Center for Human Genetics Tuebingen
Classification: Likely benign. Last evaluated: 2024-01-01. Review status: criteria provided, single submitter. Criteria: CeGaT Center For Human Genetics Tuebingen Variant Classification Criteria Version 2. Collection method: clinical testing. Allele origin: germline. Affected: yes. Observed: 1 variant allele.
Comment: DARS2: BP4, BS2

GeneDx
Classification: Likely benign. Last evaluated: 2021-06-22. Review status: criteria provided, single submitter. Criteria: GeneDx Variant Classification Process June 2021. Collection method: clinical testing. Allele origin: germline. Affected: yes.

Dubai Health Genomic Medicine Center, Dubai Health
Classification: Likely benign for Leukoencephalopathy with brain stem and spinal cord involvement-high lactate syndrome. Last evaluated: 2020-08-04. Review status: criteria provided, single submitter. Criteria: ACMG Guidelines, 2015. Collection method: clinical testing. Allele origin: germline. Affected: yes.

Illumina Laboratory Services, Illumina
Classification: Uncertain significance for Leukoencephalopathy with brain stem and spinal cord involvement-high lactate syndrome. Last evaluated: 2018-01-13. Review status: criteria provided, single submitter. Criteria: ICSL Variant Classification Criteria 13 December 2019. Collection method: clinical testing. Allele origin: germline.

Dr. Peter K. Rogan Lab, Western University
No classification provided (evidence only). Condition: Malignant tumor of urinary bladder. Review status: no classification provided. Collection method: in vitro. Allele origin: not applicable. Functional consequence: retained intron. Not counted in ClinVar's aggregate classification.

Dr. Peter K. Rogan Lab, Western University
No classification provided (evidence only). Condition: Clear cell carcinoma of kidney. Review status: no classification provided. Collection method: in vitro. Allele origin: not applicable. Functional consequence: retained intron. Not counted in ClinVar's aggregate classification.

Dr. Peter K. Rogan Lab, Western University
No classification provided (evidence only). Condition: Familial cancer of breast. Review status: no classification provided. Collection method: in vitro. Allele origin: not applicable. Functional consequence: retained intron. Not counted in ClinVar's aggregate classification.

Dr. Peter K. Rogan Lab, Western University
No classification provided (evidence only). Condition: Pancreatic adenocarcinoma. Review status: no classification provided. Collection method: in vitro. Allele origin: not applicable. Functional consequence: retained intron. Not counted in ClinVar's aggregate classification.

Dr. Peter K. Rogan Lab, Western University
No classification provided (evidence only). Condition: Thymoma. Review status: no classification provided. Collection method: in vitro. Allele origin: not applicable. Functional consequence: retained intron. Not counted in ClinVar's aggregate classification.

Dr. Peter K. Rogan Lab, Western University
No classification provided (evidence only). Condition: Thymoma. Review status: no classification provided. Collection method: in vitro. Allele origin: not applicable. Functional consequence: retained intron. Not counted in ClinVar's aggregate classification.